The following is an entry in ClinVar:

ClinVar aggregate classification (germline): Uncertain significance (1 of 4 stars; one submission).

Allele frequency attached by ClinVar (database versions not stated): gnomAD exomes 0.00002 and 0.00010; ExAC 0.00015; gnomAD 0.00029 and 0.00030; TOPMed 0.00029; ESP Exome Variant Server 0.00046; 1000 Genomes Project 30x 0.00062; 1000 Genomes Project 0.00080.
gnomAD v4.1: 78 of 1,613,132 alleles (0.0048%); highest among the groups gnomAD compares: African/African-American, 0.084%; 1 homozygote.

Submission:

Labcorp Genetics (formerly Invitae), Labcorp
Classification: Uncertain significance. Last evaluated: 2022-04-16. Review status: criteria provided, single submitter. Criteria: Invitae Variant Classification Sherloc (09022015). Collection method: clinical testing. Allele origin: germline.
Comment: This sequence change falls in intron 2 of the POP1 gene. It does not directly change the encoded amino acid sequence of the POP1 protein. It affects a nucleotide within the consensus splice site. This variant is present in population databases (rs373776571, gnomAD 0.1%). This variant has not been reported in the literature in individuals affected with POP1-related conditions. Variants that disrupt the consensus splice site are a relatively common cause of aberrant splicing (PMID: 17576681, 9536098). Algorithms developed to predict the effect of sequence changes on RNA splicing suggest that this variant is not likely to affect RNA splicing. In summary, the available evidence is currently insufficient to determine the role of this variant in disease. Therefore, it has been classified as a Variant of Uncertain Significance.

Literature cited by the submitters: PubMed 17576681; PubMed 9536098.

NM_001145860.2(POP1):c.142+5A>G

Gene: POP1 (POP1 homolog, ribonuclease P/MRP subunit; plus strand). Cytogenetic location: 8q22.2.
Variant type: single nucleotide variant.
Coding change: c.142+5A>G on transcript NM_001145860.2 (MANE Select); 5 bases into the intron after coding-DNA position 142, A replaced by G.
Molecular consequence: intron variant.
Genome position (GRCh38, 1-based): chr8:98,123,484, A>G. VCF-style: chr8-98123484-A-G. GRCh37 (hg19) VCF-style: chr8-99135712-A-G.
Other names: c.142+5A>G (NM_001145861.2, NM_015029.3).
Identifiers: ClinVar variation 1389082 (VCV001389082.5), dbSNP rs373776571, ClinGen allele CA4820235.
Genomic context (GRCh38, chr8:98,123,484, plus strand): 5'-CAGAGGTGTAAAGCACCACAGTGGAGGTGAAAAACCTTTCCAAGCTCAAAAACAAGGTAA[A>G]ATACACATAAGAGACCAGGCATGGTGGCTCACGCCTGTAATCCCAGCACTTTGGGAGGCT-3'